The following is an entry in ClinVar:

ClinVar aggregate classification (germline): Pathogenic. Review status: criteria provided, single submitter (1 of 4 stars). 2 submissions from 2 submitters: Pathogenic (1). 1 of the submissions does not count toward it. Last evaluated 2020-02-17.

Conditions:
Primary hyperoxaluria type 3. Also called: PH III. Identifiers: Orphanet 416, Orphanet 93600, MedGen C3150878, MONDO:0013327, OMIM 613616. Disease mechanism: loss of function.

Submissions (2):

Labcorp Genetics (formerly Invitae), Labcorp
Classification: Pathogenic. Last evaluated: 2020-02-17. Review status: criteria provided, single submitter. Criteria: Invitae Variant Classification Sherloc (09022015). Collection method: clinical testing. Allele origin: germline.
Comment: This variant is not present in population databases (ExAC no frequency). This variant has not been reported in the literature in individuals with HOGA1-related conditions. This sequence change creates a premature translational stop signal (p.Val24Serfs*19) in the HOGA1 gene. It is expected to result in an absent or disrupted protein product. For these reasons, this variant has been classified as Pathogenic. Loss-of-function variants in HOGA1 are known to be pathogenic (PMID: 22391140, 22781098).

Chinese Inherited Urolithiasis Consortium, The Affiliated Yantai Yuhuangding Hospital of Qingdao University
Classification: Pathogenic for Primary hyperoxaluria type 3. Last evaluated: 2024-08-26. Review status: no assertion criteria provided. Collection method: clinical testing. Allele origin: paternal. Affected: yes. Observed: 1 variant allele. Not counted in ClinVar's aggregate classification.

Literature cited by the submitters: PubMed 22391140 (cited by Labcorp Genetics (formerly Invitae), Labcorp); PubMed 22781098 (cited by Labcorp Genetics (formerly Invitae), Labcorp).

NM_138413.4(HOGA1):c.70del (p.Val24fs)

Gene: HOGA1 (4-hydroxy-2-oxoglutarate aldolase 1; plus strand). Cytogenetic location: 10q24.2.
Variant type: Deletion.
Coding change: c.70del on transcript NM_138413.4 (MANE Select); coding-DNA position 70, one base deleted (G; older notation c.70delG).
Protein change: p.Val24fs; shifts the reading frame from valine 24.
Molecular consequence: frameshift variant.
Genome position (GRCh38, 1-based): chr10:97,584,773, G deleted; the last of 5 consecutive G bases (chr10:97,584,769-97,584,773); deleting any one gives the same sequence. VCF-style (leftmost placement, unchanged base first): chr10-97584768-TG-T. GRCh37 (hg19) VCF-style: chr10-99344525-TG-T.
Other names: c.70del, p.Val24fs (NM_001134670.2); c.70delG (NM_138413.4); short protein forms V24fs.
Identifiers: ClinVar variation 1070213 (VCV001070213.9), dbSNP rs2135711274, ClinGen allele CA2499220516.
Genomic context (GRCh38, chr10:97,584,768, plus strand): 5'-TGGGTCCCCAAGTCTGGTCTTCTGTGAGGCAGGGGCTAAGCAGGAGCTTGTCCAGGAATG[TG>T]GGGGTCTGGGCCTCAGGGGAGGGGAAGAAGGTGGACATTGCGGGTATCTACCCCCCTGTG-3'